The following is an entry in ClinVar:

NM_001291303.3(FAT4):c.13544C>A (p.Ala4515Glu)

Gene: FAT4 (FAT atypical cadherin 4; plus strand). Cytogenetic location: 4q28.1.
Variant type: single nucleotide variant.
Coding change: c.13544C>A on transcript NM_001291303.3 (MANE Select); coding-DNA position 13544, C replaced by A.
Protein change: p.Ala4515Glu; replaces alanine 4515 with glutamic acid.
Molecular consequence: missense variant.
Genome position (GRCh38, 1-based): chr4:125,490,360, C>A. VCF-style: chr4-125490360-C-A. GRCh37 (hg19) VCF-style: chr4-126411515-C-A.
Other names: c.13541C>A, p.Ala4514Glu (NM_001291285.3); c.13538C>A, p.Ala4513Glu (NM_024582.6); short protein forms A4513E, A4515E, A4514E.
Identifiers: ClinVar variation 2080263 (VCV002080263.4), dbSNP rs1458879539, ClinGen allele CA358136912.

ClinVar aggregate classification (germline): Uncertain significance (1 of 4 stars; one submission).

gnomAD v4.1: 2 of 1,614,156 alleles (0.00012%); highest among the groups gnomAD compares: Admixed American, 0.0033%; no homozygotes.

Submission:

Labcorp Genetics (formerly Invitae), Labcorp
Classification: Uncertain significance. Last evaluated: 2022-07-29. Review status: criteria provided, single submitter. Criteria: Invitae Variant Classification Sherloc (09022015). Collection method: clinical testing. Allele origin: germline.
Comment: In summary, the available evidence is currently insufficient to determine the role of this variant in disease. Therefore, it has been classified as a Variant of Uncertain Significance. Advanced modeling of protein sequence and biophysical properties (such as structural, functional, and spatial information, amino acid conservation, physicochemical variation, residue mobility, and thermodynamic stability) performed at Invitae indicates that this missense variant is not expected to disrupt FAT4 protein function. This variant has not been reported in the literature in individuals affected with FAT4-related conditions. This variant is present in population databases (no rsID available, gnomAD 0.003%). This sequence change replaces alanine, which is neutral and non-polar, with glutamic acid, which is acidic and polar, at codon 4513 of the FAT4 protein (p.Ala4513Glu).